The following is an entry in ClinVar:

NM_001048174.2(MUTYH):c.1036A>C (p.Thr346Pro)

Gene: MUTYH (mutY DNA glycosylase; minus strand). Cytogenetic location: 1p34.1.
Variant type: single nucleotide variant.
Coding change: c.1036A>C on transcript NM_001048174.2 (MANE Select); coding-DNA position 1036, A replaced by C.
Protein change: p.Thr346Pro; replaces threonine 346 with proline.
Molecular consequence: missense variant. On other transcripts: non-coding transcript variant (7).
Genome position (GRCh38, 1-based): chr1:45,331,727, T>G on the plus strand (A>C on the coding strand, the complement: MUTYH is on the minus strand). VCF-style: chr1-45331727-T-G. GRCh37 (hg19) VCF-style: chr1-45797399-T-G.
Other names: c.1036A>C, p.Thr346Pro (NM_001048171.2, NM_001048173.2, NM_001407073.1 and 6 more transcripts); c.1039A>C, p.Thr347Pro (NM_001048172.2, NM_001407078.1, NM_001407071.1 and 1 more transcripts); c.1120A>C, p.Thr374Pro (NM_001128425.2); c.1081A>C, p.Thr361Pro (NM_001293190.2); c.1069A>C, p.Thr357Pro (NM_001293191.2, NM_001407077.1, NM_001407069.1); c.952A>C, p.Thr318Pro (NM_001407075.1); c.997A>C, p.Thr333Pro (NM_001407079.1); c.994A>C, p.Thr332Pro (NM_001407080.1); and 5 more; short protein forms T231P, T254P, T318P, T332P, T333P, T346P, T347P, T353P.
Identifiers: ClinVar variation 4860475 (VCV004860475.1).

ClinVar aggregate classification (germline): Uncertain significance (1 of 4 stars; one submission).

Conditions:
Hereditary cancer-predisposing syndrome. Also called: Neoplastic Syndromes, Hereditary; Tumor predisposition; Hereditary Cancer Syndrome; Hereditary neoplastic syndrome. Identifiers: Orphanet 140162, MedGen C0027672, MeSH D009386, MONDO:0015356.

Submission:

Ambry Genetics
Classification: Uncertain significance for Hereditary cancer-predisposing syndrome. Last evaluated: 2026-03-20. Review status: criteria provided, single submitter. Criteria: Ambry Variant Classification Scheme 2023. Collection method: clinical testing. Allele origin: germline.
Comment: The p.T374P variant (also known as c.1120A>C), located in coding exon 12 of the MUTYH gene, results from an A to C substitution at nucleotide position 1120. The threonine at codon 374 is replaced by proline, an amino acid with highly similar properties. In a massively parallel cell-based functional assay testing 7,8-dihydro-8-oxoguanine:adenine (8OG:A) repair activity, a byproduct of oxidative damage, this variant was reported to be non-functional (Hemker SL et al. Am J Hum Genet, 2025 Sep;112:2010-2026). This amino acid position is not well conserved in available vertebrate species. In addition, the in silico prediction for this alteration is inconclusive. Based on the available evidence, the clinical significance of this variant remains unclear.

Literature cited by the submitters: PubMed 40738107.